The following is an entry in ClinVar:

ClinVar aggregate classification (germline): Conflicting classifications of pathogenicity. Review status: criteria provided, conflicting classifications (1 of 4 stars). 2 submissions from 2 submitters: Uncertain significance (1); Likely benign (1). Last evaluated 2025-06-15.

Allele frequency attached by ClinVar (database versions not stated): TOPMed 0.00003; ExAC 0.00006; gnomAD 0.00007; gnomAD exomes 0.00016; ESP Exome Variant Server 0.00023.
gnomAD v4.1: 242 of 1,614,082 alleles (0.015%); highest among the groups gnomAD compares: Non-Finnish European, 0.02%; no homozygotes.

Submissions (2):

Labcorp Genetics (formerly Invitae), Labcorp
Classification: Uncertain significance. Last evaluated: 2025-06-15. Review status: criteria provided, single submitter. Criteria: Invitae Variant Classification Sherloc (09022015). Collection method: clinical testing. Allele origin: germline.
Comment: This sequence change replaces aspartic acid, which is acidic and polar, with asparagine, which is neutral and polar, at codon 614 of the RFWD3 protein (p.Asp614Asn). This variant is present in population databases (rs141685768, gnomAD 0.01%). This variant has not been reported in the literature in individuals affected with RFWD3-related conditions. ClinVar contains an entry for this variant (Variation ID: 2176614). An algorithm developed to predict the effect of missense changes on protein structure and function outputs the following: PolyPhen-2: "Benign". The asparagine amino acid residue is found in multiple mammalian species, which suggests that this missense change does not adversely affect protein function. In summary, the available evidence is currently insufficient to determine the role of this variant in disease. Therefore, it has been classified as a Variant of Uncertain Significance.

Ambry Genetics
Classification: Likely benign. Last evaluated: 2022-04-27. Review status: criteria provided, single submitter. Criteria: Ambry Variant Classification Scheme 2023. Collection method: clinical testing. Allele origin: germline.

NM_018124.4(RFWD3):c.1840G>A (p.Asp614Asn)

Gene: RFWD3 (ring finger and WD repeat domain 3; minus strand). Cytogenetic location: 16q23.1.
Variant type: single nucleotide variant.
Coding change: c.1840G>A on transcript NM_018124.4 (MANE Select); coding-DNA position 1840, G replaced by A.
Protein change: p.Asp614Asn; replaces aspartic acid 614 with asparagine.
Molecular consequence: missense variant.
Genome position (GRCh38, 1-based): chr16:74,628,581, C>T on the plus strand (G>A on the coding strand, the complement: RFWD3 is on the minus strand). VCF-style: chr16-74628581-C-T. GRCh37 (hg19) VCF-style: chr16-74662479-C-T.
Other names: c.1840G>A, p.Asp614Asn (NM_001370534.1, NM_001370535.1); c.1663G>A, p.Asp555Asn (NM_001370536.1); c.1006G>A, p.Asp336Asn (NM_001370537.1, NM_001370539.1, NM_001370540.1 and 3 more transcripts); c.1840G>A (NM_018124.3); short protein forms D336N, D614N, D555N.
Identifiers: ClinVar variation 2176614 (VCV002176614.5), dbSNP rs141685768, ClinGen allele CA8169051.
Genomic context (GRCh38, chr16:74,628,581, plus strand): 5'-CCAAGGGCAGCACATGAGGCCAATGAGAAAAGTCCATTTTCTGTTCCCAGAATGAAGCAT[C>T]CTCCAAGGTTCCAGCCAGCACCCCACCATATGGAAATGCAGCTGAGGCAGCTCTGGGCAT-3'
Protein context (NP_060594.3, residues 604-624): YGGVLAGTLE[Asp614Asn]ASFWEQKMDF